The following is an entry in ClinVar:

NM_000553.6(WRN):c.1720+1G>A

Gene: WRN (WRN RecQ like helicase; plus strand). Cytogenetic location: 8p12.
Variant type: single nucleotide variant.
Coding change: c.1720+1G>A on transcript NM_000553.6 (MANE Select); the canonical splice donor site of the intron after coding-DNA position 1720, G replaced by A.
Molecular consequence: splice donor variant.
Genome position (GRCh38, 1-based): chr8:31,090,533, G>A. VCF-style: chr8-31090533-G-A. GRCh37 (hg19) VCF-style: chr8-30948049-G-A.
Identifiers: ClinVar variation 4709587 (VCV004709587.1).

ClinVar aggregate classification (germline): Pathogenic (1 of 4 stars; one submission).

Conditions:
Werner syndrome (WRN). Identifiers: Orphanet 902, MedGen C0043119, MONDO:0010196, OMIM 277700.

Submission:

Labcorp Genetics (formerly Invitae), Labcorp
Classification: Pathogenic for Werner syndrome. Last evaluated: 2026-01-12. Review status: criteria provided, single submitter. Criteria: Invitae Variant Classification Sherloc (09022015). Collection method: clinical testing. Allele origin: germline.
Comment: This sequence change affects a donor splice site in intron 14 of the WRN gene. It is expected to disrupt RNA splicing. Variants that disrupt the donor or acceptor splice site typically lead to a loss of protein function (PMID: 16199547), and loss-of-function variants in WRN are known to be pathogenic (PMID: 16673358). This variant is not present in population databases (gnomAD no frequency). Disruption of this splice site has been observed in individual(s) with Werner syndrome (PMID: 30568144). In at least one individual the data is consistent with being in trans (on the opposite chromosome) from a pathogenic variant. Algorithms developed to predict the effect of sequence changes on RNA splicing suggest that this variant may disrupt the consensus splice site. For these reasons, this variant has been classified as Pathogenic.

Literature cited by the submitters: PubMed 16199547; PubMed 16673358; PubMed 30568144.